The following is an entry in ClinVar:

ClinVar aggregate classification (germline): Likely benign (1 of 4 stars; one submission).

Allele frequency attached by ClinVar (database versions not stated): 1000 Genomes Project 0.00040; 1000 Genomes Project 30x 0.00047; ExAC 0.00054; TOPMed 0.00096; gnomAD 0.00121.
gnomAD v4.1: 2,958 of 1,537,444 alleles (0.19%); highest among the groups gnomAD compares: Non-Finnish European, 0.25%; 5 homozygotes.

Submission:

CeGaT Center for Human Genetics Tuebingen
Classification: Likely benign. Last evaluated: 2022-11-01. Review status: criteria provided, single submitter. Criteria: CeGaT Center For Human Genetics Tuebingen Variant Classification Criteria Version 2. Collection method: clinical testing. Allele origin: germline. Affected: yes. Observed: 1 variant allele.
Comment: MZF1: BP4, BP7

NM_198055.2(MZF1):c.1584G>A (p.Leu528=)

Genes: MZF1 (myeloid zinc finger 1; minus strand), MZF1-AS1 (MZF1 antisense RNA 1; plus strand). Cytogenetic location: 19q13.43.
Variant type: single nucleotide variant.
Coding change: c.1584G>A on transcript NM_198055.2 (MANE Select); coding-DNA position 1584, G replaced by A.
Protein change: p.Leu528=; no amino-acid change (leucine 528 retained).
Molecular consequence: synonymous variant. On other transcripts: 3 prime UTR variant (1).
Genome position (GRCh38, 1-based): chr19:58,562,693, C>T on the plus strand (G>A on the coding strand, the complement: MZF1 is on the minus strand). VCF-style: chr19-58562693-C-T. GRCh37 (hg19) VCF-style: chr19-59074060-C-T.
Other names: c.*467G>A (NM_001267033.2); c.1584G>A, p.Leu528= (NM_003422.3).
Identifiers: ClinVar variation 2650603 (VCV002650603.24), dbSNP rs61731801, ClinGen allele CA9720246.
Genomic context (GRCh38, chr19:58,562,693, plus strand): 5'-CTGGCCGCACTCGGCACAGGCGAAGGGCCGCTCGCCACTGTGCACGCGCCGGTGCTGCAG[C>T]AGCACTGAGCGGCGGCCGAAGCGCTCGCCGCACTCGACGCAGCCAAAGGACTTGTCGCCC-3'
Protein context (NP_932172.1, residues 518-538): CGERFGRRSV[Leu528=]LQHRRVHSGE